The following is an entry in ClinVar:

ClinVar aggregate classification (germline): Uncertain significance (1 of 4 stars; one submission).

Conditions:
Autosomal recessive early-onset Parkinson disease 6 (PARK6). Also called: PARKINSON DISEASE 6, EARLY-ONSET; PINK1-Related Parkinson Disease; PINK1 Type of Young-Onset Parkinson Disease; PARKINSON DISEASE 6, MODIFIER OF. Identifiers: Orphanet 2828, MedGen C1853833, MONDO:0011613, OMIM 605909.

Allele frequency attached by ClinVar (database versions not stated): gnomAD exomes 0.00002; ExAC 0.00006; ESP Exome Variant Server 0.00015; 1000 Genomes Project 30x 0.00016; gnomAD 0.00018; 1000 Genomes Project 0.00020; TOPMed 0.00020.
gnomAD v4.1: 68 of 1,614,218 alleles (0.0042%); highest among the groups gnomAD compares: African/African-American, 0.069%; no homozygotes.

Submission:

Labcorp Genetics (formerly Invitae), Labcorp
Classification: Uncertain significance for Autosomal recessive early-onset Parkinson disease 6. Last evaluated: 2022-02-10. Review status: criteria provided, single submitter. Criteria: Invitae Variant Classification Sherloc (09022015). Collection method: clinical testing. Allele origin: germline.
Comment: This sequence change replaces proline, which is neutral and non-polar, with alanine, which is neutral and non-polar, at codon 305 of the PINK1 protein (p.Pro305Ala). This variant is present in population databases (rs112600292, gnomAD 0.06%). This missense change has been observed in individual(s) with Parkinson disease (PMID: 20558144). Algorithms developed to predict the effect of missense changes on protein structure and function are either unavailable or do not agree on the potential impact of this missense change (SIFT: "Tolerated"; PolyPhen-2: "Probably Damaging"; Align-GVGD: "Class C0"). In summary, the available evidence is currently insufficient to determine the role of this variant in disease. Therefore, it has been classified as a Variant of Uncertain Significance.

Literature cited by the submitters: PubMed 20558144.

NM_032409.3(PINK1):c.913C>G (p.Pro305Ala)

Genes: PINK1 (PTEN induced kinase 1; plus strand), PINK1-AS (PINK1 antisense RNA; minus strand). Cytogenetic location: 1p36.12.
Variant type: single nucleotide variant.
Coding change: c.913C>G on transcript NM_032409.3 (MANE Select); coding-DNA position 913, C replaced by G.
Protein change: p.Pro305Ala; replaces proline 305 with alanine.
Molecular consequence: missense variant.
Genome position (GRCh38, 1-based): chr1:20,644,626, C>G. VCF-style: chr1-20644626-C-G. GRCh37 (hg19) VCF-style: chr1-20971119-C-G.
Other names: short protein forms P305A.
Identifiers: ClinVar variation 2135841 (VCV002135841.1), dbSNP rs112600292, ClinGen allele CA660575.